The following is an entry in ClinVar:

ClinVar aggregate classification (germline): Likely benign (1 of 4 stars; one submission).

Submission:

CeGaT Center for Human Genetics Tuebingen
Classification: Likely benign. Last evaluated: 2026-06-01. Review status: criteria provided, single submitter. Criteria: CeGaT Center For Human Genetics Tuebingen Variant Classification Criteria Version 2. Collection method: clinical testing. Allele origin: germline. Affected: yes. Observed: 3 variant alleles.
Comment: CDC27: BP4, BP7

NM_001256.6(CDC27):c.513A>C (p.Thr171=)

Gene: CDC27 (cell division cycle 27; minus strand). Cytogenetic location: 17q21.32.
Variant type: single nucleotide variant.
Coding change: c.513A>C on transcript NM_001256.6 (MANE Select); coding-DNA position 513, A replaced by C.
Protein change: p.Thr171=; no amino-acid change (threonine 171 retained).
Molecular consequence: synonymous variant. On other transcripts: 5 prime UTR variant (1), non-coding transcript variant (1).
Genome position (GRCh38, 1-based): chr17:47,157,347, T>G on the plus strand (A>C on the coding strand, the complement: CDC27 is on the minus strand). VCF-style: chr17-47157347-T-G. GRCh37 (hg19) VCF-style: chr17-45234713-T-G.
Other names: c.513A>C, p.Thr171= (NM_001114091.4, NM_001293089.3, NM_001353035.2 and 1 more transcripts); c.330A>C, p.Thr110= (NM_001293091.3, NM_001353049.2); c.204A>C, p.Thr68= (NM_001353050.2); c.-757A>C (NM_001353051.2).
Identifiers: ClinVar variation 3777816 (VCV003777816.7).
Genomic context (GRCh38, chr17:47,157,347, plus strand): 5'-ATGATTAGGTACTTGTGTTGTGCAAGAGTTGGGCAGACAGTTGCTAAAGTTCTGTAAAGA[T>G]GTGAATTTAAATGTTTGGTCAGGATCTGGCTTTTCACCTGTGAAGACAAAAAAAAAAAAA-3'
Protein context (NP_001247.3, residues 161-181): KPDPDQTFKF[Thr171=]SLQNFSNCLP